The following is an entry in ClinVar:

ClinVar aggregate classification (germline): Uncertain significance (1 of 4 stars; one submission).

Conditions:
Cystic fibrosis (CF). Also called: MUCOVISCIDOSIS. Identifiers: Orphanet 586, MedGen C0010674, MONDO:0009061, OMIM 219700. Disease mechanism: loss of function.

Allele frequency attached by ClinVar (database versions not stated): gnomAD exomes below 0.00001.
gnomAD v4.1: 1 of 1,566,432 alleles (0.000064%); highest among the groups gnomAD compares: Non-Finnish European, 0.000087%; no homozygotes.

Submission:

Ambry Genetics
Classification: Uncertain significance for Cystic fibrosis. Last evaluated: 2023-11-14. Review status: criteria provided, single submitter. Criteria: Ambry Variant Classification Scheme 2023. Collection method: clinical testing. Allele origin: germline.
Comment: The c.744-7T>C intronic variant results from a T to C substitution 7 nucleotides upstream from coding exon 7 in the CFTR gene. This nucleotide position is not conserved on limited sequence alignment. In silico splice site analysis for this alteration is inconclusive. Since supporting evidence is limited at this time, the clinical significance of this alteration remains unclear.

NM_000492.4(CFTR):c.744-7T>C

Gene: CFTR (CF transmembrane conductance regulator; plus strand). Cytogenetic location: 7q31.2.
Variant type: single nucleotide variant.
Coding change: c.744-7T>C on transcript NM_000492.4 (MANE Select); 7 bases into the intron before coding-DNA position 744, T replaced by C.
Molecular consequence: intron variant.
Genome position (GRCh38, 1-based): chr7:117,536,541, T>C. VCF-style: chr7-117536541-T-C. GRCh37 (hg19) VCF-style: chr7-117176595-T-C.
Identifiers: ClinVar variation 3231931 (VCV003231931.1), dbSNP rs2485020006, ClinGen allele CA2554202496.
Genomic context (GRCh38, chr7:117,536,541, plus strand): 5'-TCTTAATAGATAATTTGACTTGTTTTTACTATTAGATTGATTGATTGATTGATTGATTGA[T>C]TTACAGAGATCAGAGAGCTGGGAAGATCAGTGAAAGACTTGTGATTACCTCAGAAATGAT-3'